The following is an entry in ClinVar:

ClinVar aggregate classification (germline): Uncertain significance. Review status: criteria provided, multiple submitters, no conflicts (2 of 4 stars). 2 submissions from 2 submitters: Uncertain significance (2). Last evaluated 2026-01-06.

Conditions:
Hereditary cancer-predisposing syndrome. Also called: Hereditary neoplastic syndrome; Neoplastic Syndromes, Hereditary; Hereditary Cancer Syndrome; Tumor predisposition. Identifiers: Orphanet 140162, MedGen C0027672, MeSH D009386, MONDO:0015356.
Gastrointestinal stromal tumor. Also called: Gastrointestinal stromal tumor, somatic; Gastrointestinal stroma tumor. Identifiers: Orphanet 44890, MedGen C0238198, MeSH D046152, MONDO:0011719, OMIM 606764, HP:0100723.

Allele frequency attached by ClinVar (database versions not stated): TOPMed below 0.00001; ExAC 0.00001; gnomAD 0.00001; gnomAD exomes 0.00001.

Submissions (2):

Ambry Genetics
Classification: Uncertain significance for Hereditary cancer-predisposing syndrome. Last evaluated: 2026-01-06. Review status: criteria provided, single submitter. Criteria: Ambry Variant Classification Scheme 2023. Collection method: clinical testing. Allele origin: germline.
Comment: The p.E675D variant (also known as c.2025G>C), located in coding exon 14 of the PDGFRA gene, results from a G to C substitution at nucleotide position 2025. The glutamic acid at codon 675 is replaced by aspartic acid, an amino acid with highly similar properties. This amino acid position is highly conserved in available vertebrate species. In addition, this alteration is predicted to be deleterious by in silico analysis. Based on the available evidence, the clinical significance of this variant remains unclear.

Labcorp Genetics (formerly Invitae), Labcorp
Classification: Uncertain significance for Gastrointestinal stromal tumor. Last evaluated: 2025-08-29. Review status: criteria provided, single submitter. Criteria: Invitae Variant Classification Sherloc (09022015). Collection method: clinical testing. Allele origin: germline.
Comment: This sequence change replaces glutamic acid, which is acidic and polar, with aspartic acid, which is acidic and polar, at codon 675 of the PDGFRA protein (p.Glu675Asp). This variant is present in population databases (rs778551529, gnomAD 0.002%). This variant has not been reported in the literature in individuals affected with PDGFRA-related conditions. ClinVar contains an entry for this variant (Variation ID: 566367). Invitae Evidence Modeling of protein sequence and biophysical properties (such as structural, functional, and spatial information, amino acid conservation, physicochemical variation, residue mobility, and thermodynamic stability) indicates that this missense variant is expected to disrupt PDGFRA protein function with a positive predictive value of 80%. In summary, the available evidence is currently insufficient to determine the role of this variant in disease. Therefore, it has been classified as a Variant of Uncertain Significance.

NM_006206.6(PDGFRA):c.2025G>C (p.Glu675Asp)

Gene: PDGFRA (platelet derived growth factor receptor alpha; plus strand). Cytogenetic location: 4q12.
Variant type: single nucleotide variant.
Coding change: c.2025G>C on transcript NM_006206.6 (MANE Select); coding-DNA position 2025, G replaced by C.
Protein change: p.Glu675Asp; replaces glutamic acid 675 with aspartic acid.
Molecular consequence: missense variant.
Genome position (GRCh38, 1-based): chr4:54,278,384, G>C. VCF-style: chr4-54278384-G-C. GRCh37 (hg19) VCF-style: chr4-55144551-G-C.
Other names: c.2025G>C, p.Glu675Asp (NM_001347827.2, NM_001347829.2); c.2100G>C, p.Glu700Asp (NM_001347828.2); c.2064G>C, p.Glu688Asp (NM_001347830.2); short protein forms E675D, E688D, E700D.
Identifiers: ClinVar variation 566367 (VCV000566367.10), dbSNP rs778551529, ClinGen allele CA2922738.